The following is an entry in ClinVar:

NM_006080.3(SEMA3A):c.1516A>G (p.Thr506Ala)

Gene: SEMA3A (semaphorin 3A; minus strand). Cytogenetic location: 7q21.11.
Variant type: single nucleotide variant.
Coding change: c.1516A>G on transcript NM_006080.3 (MANE Select); coding-DNA position 1516, A replaced by G.
Protein change: p.Thr506Ala; replaces threonine 506 with alanine.
Molecular consequence: missense variant.
Genome position (GRCh38, 1-based): chr7:83,981,457, T>C on the plus strand (A>G on the coding strand, the complement: SEMA3A is on the minus strand). VCF-style: chr7-83981457-T-C. GRCh37 (hg19) VCF-style: chr7-83610773-T-C.
Other names: short protein forms T506A.
Identifiers: ClinVar variation 3356342 (VCV003356342.1).
Genomic context (GRCh38, chr7:83,981,457, plus strand): 5'-CAGCACACGCTTTCCCGTAAATATCACACCGGTGTAAAGGGAGCTGGGCAACCCCAGCCG[T>C]TGAACCAATATATAGTTGTTGCTGTGGAAAGAGTTTACTGCTGTGACAAAAACTATCTTG-3'
Protein context (NP_006071.1, residues 496-516): TKQQQLYIGS[Thr506Ala]AGVAQLPLHR

ClinVar aggregate classification (germline): Uncertain significance (0 of 4 stars; one submission).

Conditions:
SEMA3A-related disorder. Also called: SEMA3A-related condition.

gnomAD v4.1: 5 of 1,611,976 alleles (0.00031%); highest among the groups gnomAD compares: South Asian, 0.0011%; no homozygotes.

Submission:

PreventionGenetics, part of Exact Sciences
Classification: Uncertain significance for SEMA3A-related condition. Last evaluated: 2024-01-23. Review status: no assertion criteria provided. Collection method: clinical testing. Allele origin: germline.
Comment: The SEMA3A c.1516A>G variant is predicted to result in the amino acid substitution p.Thr506Ala. This variant was reported in an individual with Kallmann syndrome (Table 1, Marcos et al 2017. PubMed ID: 28334861). This variant is reported in 0.00089% of alleles in individuals of European (Non-Finnish) descent in gnomAD. At this time, the clinical significance of this variant is uncertain due to the absence of conclusive functional and genetic evidence.